The following is an entry in ClinVar:

ClinVar aggregate classification (germline): Uncertain significance (1 of 4 stars; one submission).

Allele frequency attached by ClinVar (database versions not stated): gnomAD exomes below 0.00001; TOPMed below 0.00001; ExAC 0.00001; gnomAD 0.00001.
gnomAD v4.1: 2 of 1,614,000 alleles (0.00012%); highest among the groups gnomAD compares: Non-Finnish European, 0.00017%; no homozygotes.

Submission:

Ambry Genetics
Classification: Uncertain significance. Last evaluated: 2024-03-01. Review status: criteria provided, single submitter. Criteria: Ambry Variant Classification Scheme 2023. Collection method: clinical testing. Allele origin: germline.
Comment: The p.E1329D variant (also known as c.3987G>T), located in coding exon 16 of the POLQ gene, results from a G to T substitution at nucleotide position 3987. The glutamic acid at codon 1329 is replaced by aspartic acid, an amino acid with highly similar properties. This amino acid position is conserved. In addition, this alteration is predicted to be tolerated by in silico analysis. Since supporting evidence is limited at this time, the clinical significance of this alteration remains unclear.

NM_199420.4(POLQ):c.3987G>T (p.Glu1329Asp)

Gene: POLQ (DNA polymerase theta; minus strand). Cytogenetic location: 3q13.33.
Variant type: single nucleotide variant.
Coding change: c.3987G>T on transcript NM_199420.4 (MANE Select); coding-DNA position 3987, G replaced by T.
Protein change: p.Glu1329Asp; replaces glutamic acid 1329 with aspartic acid.
Molecular consequence: missense variant.
Genome position (GRCh38, 1-based): chr3:121,488,944, C>A on the plus strand (G>T on the coding strand, the complement: POLQ is on the minus strand). VCF-style: chr3-121488944-C-A. GRCh37 (hg19) VCF-style: chr3-121207791-C-A.
Other names: short protein forms E1329D.
Identifiers: ClinVar variation 1736737 (VCV001736737.2), dbSNP rs751763795, ClinGen allele CA2562974.